The following is an entry in ClinVar:

ClinVar aggregate classification (germline): Likely pathogenic (1 of 4 stars; one submission).

gnomAD v4.1: 1 of 1,614,082 alleles (0.000062%); highest among the groups gnomAD compares: Non-Finnish European, 0.000085%; no homozygotes.

Submission:

Labcorp Genetics (formerly Invitae), Labcorp
Classification: Likely pathogenic. Last evaluated: 2024-11-16. Review status: criteria provided, single submitter. Criteria: Invitae Variant Classification Sherloc (09022015). Collection method: clinical testing. Allele origin: germline.
Comment: This sequence change affects an acceptor splice site in intron 7 of the FH gene. It is expected to disrupt RNA splicing. Variants that disrupt the donor or acceptor splice site typically lead to a loss of protein function (PMID: 16199547), and loss-of-function variants in FH are known to be pathogenic (PMID: 11865300, 21398687). This variant is not present in population databases (gnomAD no frequency). This variant has not been reported in the literature in individuals affected with FH-related conditions. Studies have shown that disruption of this splice site is associated with inconclusive levels of altered splicing (internal data). In summary, the currently available evidence indicates that the variant is pathogenic, but additional data are needed to prove that conclusively. Therefore, this variant has been classified as Likely Pathogenic.

Literature cited by the submitters: PubMed 16199547; PubMed 11865300; PubMed 21398687.

NM_000143.4(FH):c.1109-2A>G

Gene: FH (fumarate hydratase; minus strand). Cytogenetic location: 1q43.
Variant type: single nucleotide variant.
Coding change: c.1109-2A>G on transcript NM_000143.4 (MANE Select); the canonical splice acceptor site of the intron before coding-DNA position 1109, A replaced by G.
Molecular consequence: splice acceptor variant.
Genome position (GRCh38, 1-based): chr1:241,502,572, T>C on the plus strand (A>G on the coding strand, the complement: FH is on the minus strand). VCF-style: chr1-241502572-T-C. GRCh37 (hg19) VCF-style: chr1-241665872-T-C.
Identifiers: ClinVar variation 3725341 (VCV003725341.2).